The following is an entry in ClinVar:

ClinVar aggregate classification (germline): Uncertain significance (1 of 4 stars; one submission).

Submission:

GeneDx
Classification: Uncertain significance. Last evaluated: 2023-10-19. Review status: criteria provided, single submitter. Criteria: GeneDx Variant Classification Process June 2021. Collection method: clinical testing. Allele origin: germline. Affected: yes.
Comment: Not observed at significant frequency in large population cohorts (gnomAD); In silico analysis supports that this missense variant has a deleterious effect on protein structure/function; Has not been previously published as pathogenic or benign to our knowledge

NM_020937.4(FANCM):c.1356A>T (p.Lys452Asn)

Gene: FANCM (FA complementation group M; plus strand). Cytogenetic location: 14q21.2.
Variant type: single nucleotide variant.
Coding change: c.1356A>T on transcript NM_020937.4 (MANE Select); coding-DNA position 1356, A replaced by T.
Protein change: p.Lys452Asn; replaces lysine 452 with asparagine.
Molecular consequence: missense variant.
Genome position (GRCh38, 1-based): chr14:45,155,419, A>T. VCF-style: chr14-45155419-A-T. GRCh37 (hg19) VCF-style: chr14-45624622-A-T.
Other names: c.1278A>T, p.Lys426Asn (NM_001308133.2); c.1356A>T, p.Lys452Asn (NM_001308134.2); short protein forms K426N, K452N.
Identifiers: ClinVar variation 3363211 (VCV003363211.1).